The following is an entry in ClinVar:

ClinVar aggregate classification (germline): Uncertain significance (1 of 4 stars; one submission).

Conditions:
Idiopathic generalized epilepsy. Also called: Generalised epilepsy; EIG. Identifiers: MedGen C0270850, MONDO:0005579, OMIM 600669.

Submission:

Labcorp Genetics (formerly Invitae), Labcorp
Classification: Uncertain significance for Idiopathic generalized epilepsy. Last evaluated: 2025-05-26. Review status: criteria provided, single submitter. Criteria: Invitae Variant Classification Sherloc (09022015). Collection method: clinical testing. Allele origin: germline.
Comment: This sequence change falls in intron 9 of the RBFOX1 gene. It does not directly change the encoded amino acid sequence of the RBFOX1 protein. This variant is not present in population databases (gnomAD no frequency). This variant has not been reported in the literature in individuals affected with RBFOX1-related conditions. Algorithms developed to predict the effect of sequence changes on RNA splicing suggest that this variant may disrupt the consensus splice site. In summary, the available evidence is currently insufficient to determine the role of this variant in disease. Therefore, it has been classified as a Variant of Uncertain Significance.

NM_018723.4(RBFOX1):c.931-5222T>C

Gene: RBFOX1 (RNA binding fox-1 homolog 1; plus strand). Cytogenetic location: 16p13.3.
Variant type: single nucleotide variant.
Coding change: c.931-5222T>C on transcript NM_018723.4 (MANE Select); 5222 bases into the intron before coding-DNA position 931, T replaced by C.
Molecular consequence: intron variant.
Genome position (GRCh38, 1-based): chr16:7,671,552, T>C. VCF-style: chr16-7671552-T-C. GRCh37 (hg19) VCF-style: chr16-7721554-T-C.
Other names: c.1528-5222T>C (NM_001415887.1); c.1447-5222T>C (NM_001415888.1); c.931-5222T>C (NM_001364800.2, NM_001142334.2); c.850-5222T>C (NM_001142333.2); c.1060-5222T>C (NM_001415895.1, NM_001415891.1, NM_001411047.1 and 1 more transcripts); c.979-5222T>C (NM_001415907.1, NM_001415897.1); c.967-5222T>C (NM_001415908.1); c.886-5222T>C (NM_001415914.1); and 14 more.
Identifiers: ClinVar variation 4720242 (VCV004720242.1).